The following is an entry in ClinVar:

NM_006739.4(MCM5):c.1357G>T (p.Asp453Tyr)

Gene: MCM5 (minichromosome maintenance complex component 5; plus strand). Cytogenetic location: 22q12.3.
Variant type: single nucleotide variant.
Coding change: c.1357G>T on transcript NM_006739.4 (MANE Select); coding-DNA position 1357, G replaced by T.
Protein change: p.Asp453Tyr; replaces aspartic acid 453 with tyrosine.
Molecular consequence: missense variant.
Genome position (GRCh38, 1-based): chr22:35,416,348, G>T. VCF-style: chr22-35416348-G-T. GRCh37 (hg19) VCF-style: chr22-35812341-G-T.
Other names: short protein forms D453Y.
Identifiers: ClinVar variation 2124235 (VCV002124235.4), dbSNP rs1209001787, ClinGen allele CA411346952.

ClinVar aggregate classification (germline): Uncertain significance (1 of 4 stars; one submission).

Allele frequency attached by ClinVar (database versions not stated): TOPMed below 0.00001; gnomAD 0.00001.
gnomAD v4.1: 2 of 1,613,802 alleles (0.00012%); highest among the groups gnomAD compares: Non-Finnish European, 0.00017%; no homozygotes.

Submission:

Labcorp Genetics (formerly Invitae), Labcorp
Classification: Uncertain significance. Last evaluated: 2022-04-10. Review status: criteria provided, single submitter. Criteria: Invitae Variant Classification Sherloc (09022015). Collection method: clinical testing. Allele origin: germline.
Comment: This sequence change replaces aspartic acid, which is acidic and polar, with tyrosine, which is neutral and polar, at codon 453 of the MCM5 protein (p.Asp453Tyr). This variant is present in population databases (no rsID available, gnomAD 0.007%). This variant has not been reported in the literature in individuals affected with MCM5-related conditions. Algorithms developed to predict the effect of missense changes on protein structure and function are either unavailable or do not agree on the potential impact of this missense change (SIFT: "Deleterious"; PolyPhen-2: "Probably Damaging"; Align-GVGD: "Class C15"). In summary, the available evidence is currently insufficient to determine the role of this variant in disease. Therefore, it has been classified as a Variant of Uncertain Significance.